The following is an entry in ClinVar:

NM_005901.6(SMAD2):c.1294A>G (p.Thr432Ala)

Gene: SMAD2 (SMAD family member 2; minus strand). Cytogenetic location: 18q21.1.
Variant type: single nucleotide variant.
Coding change: c.1294A>G on transcript NM_005901.6 (MANE Select); coding-DNA position 1294, A replaced by G.
Protein change: p.Thr432Ala; replaces threonine 432 with alanine.
Molecular consequence: missense variant.
Genome position (GRCh38, 1-based): chr18:47,841,937, T>C on the plus strand (A>G on the coding strand, the complement: SMAD2 is on the minus strand). VCF-style: chr18-47841937-T-C. GRCh37 (hg19) VCF-style: chr18-45368308-T-C.
Other names: c.1294A>G, p.Thr432Ala (NM_001003652.4); c.1204A>G, p.Thr402Ala (NM_001135937.3); short protein forms T402A, T432A.
Identifiers: ClinVar variation 3572704 (VCV003572704.1).

ClinVar aggregate classification (germline): Uncertain significance (1 of 4 stars; one submission).

Submission:

GeneDx
Classification: Uncertain significance. Last evaluated: 2024-07-08. Review status: criteria provided, single submitter. Criteria: GeneDx Variant Classification Process June 2021. Collection method: clinical testing. Allele origin: germline. Affected: yes.
Comment: Not observed at significant frequency in large population cohorts (gnomAD); In silico analysis supports that this missense variant has a deleterious effect on protein structure/function; Has not been previously published as pathogenic or benign to our knowledge